The following is an entry in ClinVar:

NM_016302.4(CRBN):c.219C>T (p.His73=)

Gene: CRBN (cereblon; minus strand). Cytogenetic location: 3p26.2.
Variant type: single nucleotide variant.
Coding change: c.219C>T on transcript NM_016302.4 (MANE Select); coding-DNA position 219, C replaced by T.
Protein change: p.His73=; no amino-acid change (histidine 73 retained).
Molecular consequence: synonymous variant.
Genome position (GRCh38, 1-based): chr3:3,174,217, G>A on the plus strand (C>T on the coding strand, the complement: CRBN is on the minus strand). VCF-style: chr3-3174217-G-A. GRCh37 (hg19) VCF-style: chr3-3215901-G-A.
Other names: c.216C>T, p.His72= (NM_001173482.1).
Identifiers: ClinVar variation 128856 (VCV000128856.11), dbSNP rs1045309, ClinGen allele CA152507.
Genomic context (GRCh38, chr3:3,174,217, plus strand): 5'-GGGAATCAGGATCATCATCACTTGTGGAAGAACTGGAATCACCTGACAGCTGTCGTCATC[G>A]TGCAAAGTCCTGCCATGAAATTCTTCCATATCAGCACCTAGGTACTATATAAAAACATAT-3'
Protein context (NP_057386.2, residues 63-83): DMEEFHGRTL[His73=]DDDSCQVIPV

ClinVar aggregate classification (germline): Benign. Review status: criteria provided, multiple submitters, no conflicts (2 of 4 stars). 3 submissions from 3 submitters: Benign (2). 1 of the submissions does not count toward it. Last evaluated 2019-12-31.

Allele frequency attached by ClinVar (database versions not stated): ExAC 0.00677; gnomAD 0.01725 and 0.01618; TOPMed 0.01785; ESP Exome Variant Server 0.01884; 1000 Genomes Project 30x 0.02139; gnomAD exomes 0.00589; 1000 Genomes Project 0.02017.

Submissions (3):

Labcorp Genetics (formerly Invitae), Labcorp
Classification: Benign. Last evaluated: 2019-12-31. Review status: criteria provided, single submitter. Criteria: Invitae Variant Classification Sherloc (09022015). Collection method: clinical testing. Allele origin: germline.

Breakthrough Genomics
Classification: Benign. Review status: criteria provided, single submitter. Criteria: ACMG Guidelines, 2015. Collection method: not provided. Allele origin: germline. Inheritance: Autosomal recessive inheritance. Affected: yes.

Genetic Services Laboratory, University of Chicago
Classification: Likely benign for AllHighlyPenetrant. Review status: no assertion criteria provided. Collection method: clinical testing. Allele origin: germline. Inheritance: Autosomal recessive inheritance. Not counted in ClinVar's aggregate classification.
Comment: Likely benign based on allele frequency in 1000 Genomes Project or ESP global frequency and its presence in a patient with a rare or unrelated disease phenotype. NOT Sanger confirmed.